The following is an entry in ClinVar:

NM_005198.5(CHKB):c.1012T>G (p.Leu338Val)

Genes: CHKB (choline kinase beta; minus strand), CHKB-CPT1B (CHKB-CPT1B readthrough (NMD candidate); minus strand). Cytogenetic location: 22q13.33.
Variant type: single nucleotide variant.
Coding change: c.1012T>G on transcript NM_005198.5 (MANE Select); coding-DNA position 1012, T replaced by G.
Protein change: p.Leu338Val; replaces leucine 338 with valine.
Molecular consequence: missense variant. On other transcripts: non-coding transcript variant (1).
Genome position (GRCh38, 1-based): chr22:50,579,746, A>C on the plus strand (T>G on the coding strand, the complement: CHKB is on the minus strand). VCF-style: chr22-50579746-A-C. GRCh37 (hg19) VCF-style: chr22-51018175-A-C.
Other names: short protein forms L338V.
Identifiers: ClinVar variation 2196472 (VCV002196472.4), dbSNP rs2522773087, ClinGen allele CA412195103.
Genomic context (GRCh38, chr22:50,579,746, plus strand): 5'-CCTCTGCTCTGCCCTACCCCACCCTGCCCCTCCTTCCTCACCGACTGACTTCTACCAGCA[A>C]ATCTTCTTCCAGTTTTCTCTGCTCCTCTTGGGAGAGGGTCTCACCTTTCTTTGCCTCTGC-3'
Protein context (NP_005189.2, residues 328-348): QEEQRKLEED[Leu338Val]LVEVSRYALA

ClinVar aggregate classification (germline): Uncertain significance (1 of 4 stars; one submission).

Conditions:
Megaconial type congenital muscular dystrophy (MDCMC). Also called: CHKB-Related Muscular Dystrophy; MUSCULAR DYSTROPHY, CONGENITAL, WITH MITOCHONDRIAL STRUCTURAL ABNORMALITIES; CHKB-Related Muscle Diseases. Identifiers: Orphanet 280671, MedGen C1865233, MONDO:0011246, OMIM 602541.

Submission:

Labcorp Genetics (formerly Invitae), Labcorp
Classification: Uncertain significance for Megaconial type congenital muscular dystrophy. Last evaluated: 2022-07-11. Review status: criteria provided, single submitter. Criteria: Invitae Variant Classification Sherloc (09022015). Collection method: clinical testing. Allele origin: germline.
Comment: In summary, the available evidence is currently insufficient to determine the role of this variant in disease. Therefore, it has been classified as a Variant of Uncertain Significance. Algorithms developed to predict the effect of missense changes on protein structure and function are either unavailable or do not agree on the potential impact of this missense change (SIFT: "Deleterious"; PolyPhen-2: "Benign"; Align-GVGD: "Class C0"). This variant has not been reported in the literature in individuals affected with CHKB-related conditions. This variant is not present in population databases (gnomAD no frequency). This sequence change replaces leucine, which is neutral and non-polar, with valine, which is neutral and non-polar, at codon 338 of the CHKB protein (p.Leu338Val).